The following is an entry in ClinVar:

NM_001081.4(CUBN):c.6490C>G (p.Pro2164Ala)

Gene: CUBN (cubilin; minus strand). Cytogenetic location: 10p13.
Variant type: single nucleotide variant.
Coding change: c.6490C>G on transcript NM_001081.4 (MANE Select); coding-DNA position 6490, C replaced by G.
Protein change: p.Pro2164Ala; replaces proline 2164 with alanine.
Molecular consequence: missense variant.
Genome position (GRCh38, 1-based): chr10:16,925,397, G>C on the plus strand (C>G on the coding strand, the complement: CUBN is on the minus strand). VCF-style: chr10-16925397-G-C. GRCh37 (hg19) VCF-style: chr10-16967396-G-C.
Other names: short protein forms P2164A.
Identifiers: ClinVar variation 3897362 (VCV003897362.1).
Genomic context (GRCh38, chr10:16,925,397, plus strand): 5'-GAGTTGATGAAGCATGACTGCCACAAAAATGACCATTTCCTCCAGGGGGTCCCAAGGGTG[G>C]AGAACAGATATCAGGACCATTTCTTAGCTGGAAAGACAAATTAAAATTTCATCAACTCCT-3'
Protein context (NP_001072.2, residues 2154-2174): VLRNGPDICS[Pro2164Ala]PLGPPGGNGH

ClinVar aggregate classification (germline): Uncertain significance (1 of 4 stars; one submission).

gnomAD v4.1: 2 of 1,613,860 alleles (0.00012%); highest among the groups gnomAD compares: African/African-American, 0.0027%; no homozygotes.

Submission:

GeneDx
Classification: Uncertain significance. Last evaluated: 2024-11-05. Review status: criteria provided, single submitter. Criteria: GeneDx Variant Classification Process June 2021. Collection method: clinical testing. Allele origin: germline. Affected: yes.
Comment: Not observed at significant frequency in large population cohorts (gnomAD); In silico analysis supports that this missense variant has a deleterious effect on protein structure/function; Has not been previously published as pathogenic or benign to our knowledge